The following is an entry in ClinVar:

ClinVar aggregate classification (germline): Conflicting classifications of pathogenicity. Review status: criteria provided, conflicting classifications (1 of 4 stars). 11 submissions from 11 submitters: Uncertain significance (2); Benign (3); Likely benign (3). 3 of the submissions do not count toward it. Last evaluated 2026-02-01.

Conditions:
SLC12A1-related disorder. Also called: SLC12A1-related condition.
Bartter disease type 1. Also called: HYPERPROSTAGLANDIN E SYNDROME 1; HYPOKALEMIC ALKALOSIS WITH HYPERCALCIURIA 1, ANTENATAL; Bartter syndrome, type 1, antenatal; Bartter Syndrome type 1. Identifiers: Orphanet 112, Orphanet 620217, MedGen C1866495, MONDO:0100344, OMIM 601678, MONDO:0011127.

Allele frequency attached by ClinVar (database versions not stated): 1000 Genomes Project 0.00140; 1000 Genomes Project 30x 0.00141; gnomAD 0.00334; ExAC 0.00338; TOPMed 0.00398; ESP Exome Variant Server 0.00400; gnomAD exomes 0.00460.
gnomAD v4.1: 7,174 of 1,613,608 alleles (0.44%); highest among the groups gnomAD compares: Non-Finnish European, 0.53%; 30 homozygotes.

Submissions (11):

Labcorp Genetics (formerly Invitae), Labcorp
Classification: Benign. Last evaluated: 2026-02-01. Review status: criteria provided, single submitter. Criteria: Invitae Variant Classification Sherloc (09022015). Collection method: clinical testing. Allele origin: germline.

Mayo Clinic Laboratories, Mayo Clinic
Classification: Benign. Last evaluated: 2024-01-05. Review status: criteria provided, single submitter. Criteria: ACMG Guidelines, 2015. Collection method: clinical testing. Allele origin: germline. Observed: 1 variant allele.
Comment: BS1, BS2, PP3

Laboratory for Molecular Medicine, Mass General Brigham Personalized Medicine
Classification: Likely benign. Last evaluated: 2023-10-11. Review status: criteria provided, single submitter. Criteria: ACMG Guidelines, 2015. Collection method: clinical testing. Allele origin: germline.
Comment: The p.Arg116His variant in SLC12A1 has been classified as likely benign because it has been been identified in 0.5% (636/126808) of European chromosomes, including 7 total homozygotes by gnomAD (v.2.1.1). This is frequency is greater than expected for a pathogenic allele in SLC12A to cause Bartter syndrome. Computational prediction tools and conservation analyses suggest that this variant may impact the protein, though this information is not predictive enough to determine pathogenicity. ACMG/AMP Criteria applied: BS1, PP3.

Women's Health and Genetics/Laboratory Corporation of America, LabCorp
Classification: Benign. Last evaluated: 2022-06-21. Review status: criteria provided, single submitter. Criteria: LabCorp Variant Classification Summary - May 2015. Collection method: clinical testing. Allele origin: germline.
Comment: Variant summary: SLC12A1 c.347G>A (p.Arg116His) results in a non-conservative amino acid change located in the Amino acid permease, N-terminal domain (IPR013612) of the encoded protein sequence. Five of five in-silico tools predict a damaging effect of the variant on protein function. The variant allele was found at a frequency of 0.0034 in 280172 control chromosomes (gnomAD), including 7 homozygotes. The variant was found occurring predominantly at a frequency of 0.005 within the Non-Finnish European subpopulation in the gnomAD database, with 5 homozygotes. The observed variant frequency within Non-Finnish European control individuals in the gnomAD database is approximately 4 fold of the estimated maximal expected allele frequency for a pathogenic variant in SLC12A1 causing Bartter Syndrome, Type 1 (0.0011), strongly suggesting that the variant is a benign polymorphism found primarily in populations of Non-Finnish European origin. Six ClinVar submitters have assessed the variant since 2014: two classified the variant as VUS, one as likely pathogenic, two as likely benign, and one as benign. Based on the evidence outlined above, the variant was classified as benign.

GeneDx
Classification: Likely benign. Last evaluated: 2020-05-19. Review status: criteria provided, single submitter. Criteria: GeneDx Variant Classification Process June 2021. Collection method: clinical testing. Allele origin: germline. Affected: yes.
Comment: This variant is associated with the following publications: (PMID: 20219833, 17699451, 25422309, 31672324)

Mendelics
Classification: Likely benign for Bartter disease type 1. Last evaluated: 2019-05-28. Review status: criteria provided, single submitter. Criteria: Mendelics Assertion Criteria 2017. Collection method: clinical testing. Allele origin: unknown.

Illumina Laboratory Services, Illumina
Classification: Uncertain significance for Bartter disease type 1. Last evaluated: 2017-04-27. Review status: criteria provided, single submitter. Criteria: ICSL Variant Classification Criteria 13 December 2019. Collection method: clinical testing. Allele origin: germline.
Comment: This variant was observed as part of a predisposition screen in an ostensibly healthy population. A literature search was performed for the gene, cDNA change, and amino acid change (where applicable). Publications were found based on this search. However, the evidence from the literature, in combination with allele frequency data from public databases where available, was not sufficient to rule this variant in or out of causing disease. Therefore, this variant is classified as a variant of unknown significance.

Center for Pediatric Genomic Medicine, Children's Mercy Hospital and Clinics
Classification: Uncertain significance. Last evaluated: 2017-04-20. Review status: criteria provided, single submitter. Criteria: ACMG Guidelines, 2015. Collection method: clinical testing. Allele origin: germline.

PreventionGenetics, part of Exact Sciences
Classification: Likely benign for SLC12A1-related condition. Last evaluated: 2020-06-08. Review status: no assertion criteria provided. Collection method: clinical testing. Allele origin: germline. Not counted in ClinVar's aggregate classification.
Comment: This variant is classified as likely benign based on ACMG/AMP sequence variant interpretation guidelines (Richards et al. 2015 PMID: 25741868, with internal and published modifications).

Department of Pathology and Laboratory Medicine, Sinai Health System
Classification: Uncertain significance. Review status: no assertion criteria provided. Collection method: clinical testing. Allele origin: unknown. Affected: yes. Study: The Canadian Open Genetics Repository (COGR). Not counted in ClinVar's aggregate classification.
Comment: The SLC12A1 p.Arg116His variant was not identified in the literature nor was it identified in Cosmic or LOVD 3.0. The variant was identified in dbSNP (ID: rs34819316) and in ClinVar (classified as a VUS by Center for Pediatric Genomic Medicine, Children's Mercy Hospital and Clinics). The variant was identified in control databases in 955 of 280172 chromosomes (7 homozygous) at a frequency of 0.003409 increasing the likelihood this could be a low frequency benign variant (Genome Aggregation Database Feb 27, 2017). The variant was observed in the following populations: Other in 38 of 7182 chromosomes (freq: 0.005291), European (non-Finnish) in 636 of 126808 chromosomes (freq: 0.005015), Ashkenazi Jewish in 49 of 10314 chromosomes (freq: 0.004751), Latino in 161 of 35394 chromosomes (freq: 0.004549), European (Finnish) in 46 of 25056 chromosomes (freq: 0.001836), African in 24 of 24958 chromosomes (freq: 0.000962) and South Asian in 1 of 30510 chromosomes (freq: 0.000033), but was not observed in the East Asian population. The p.Arg116 residue is conserved in mammals and computational analyses (PolyPhen-2, SIFT, AlignGVGD, BLOSUM, MutationTaster) provide inconsistent predictions regarding the impact to the protein; this information is not very predictive of pathogenicity. The variant occurs outside of the splicing consensus sequence and in silico or computational prediction software programs (SpliceSiteFinder, MaxEntScan, NNSPLICE, GeneSplicer) do not predict a difference in splicing. In summary, based on the above information the clinical significance of this variant cannot be determined with certainty at this time. This variant is classified as a variant of uncertain significance.

Molecular Biology Laboratory, Fundació Puigvert
Classification: Likely pathogenic for Bartter disease type 1. Last evaluated: 2020-02-01. Review status: flagged submission. Criteria: ACMG Guidelines, 2015. Collection method: research. Allele origin: inherited. Affected: yes. Study: KidneyPanel_2020. Not counted in ClinVar's aggregate classification.
ClinVar note: Reason: Outlier claim with insufficient supporting evidence

Literature cited by the submitters: PubMed 17699451 (cited by Mayo Clinic Laboratories, Mayo Clinic and Laboratory for Molecular Medicine, Mass General Brigham Personalized Medicine); PubMed 30476936 (cited by Mayo Clinic Laboratories, Mayo Clinic); PubMed 31672324 (cited by Mayo Clinic Laboratories, Mayo Clinic); PubMed 33532864 (cited by Mayo Clinic Laboratories, Mayo Clinic and Molecular Biology Laboratory, Fundació Puigvert); PubMed 36058813 (cited by Mayo Clinic Laboratories, Mayo Clinic); PubMed 25422309 (cited by Laboratory for Molecular Medicine, Mass General Brigham Personalized Medicine); PubMed 28000888 (cited by Laboratory for Molecular Medicine, Mass General Brigham Personalized Medicine); PubMed 20219833 (cited by Laboratory for Molecular Medicine, Mass General Brigham Personalized Medicine and Illumina Laboratory Services, Illumina).

NM_000338.3(SLC12A1):c.347G>A (p.Arg116His)

Gene: SLC12A1 (solute carrier family 12 member 1; plus strand). Cytogenetic location: 15q21.1.
Variant type: single nucleotide variant.
Coding change: c.347G>A on transcript NM_000338.3 (MANE Select); coding-DNA position 347, G replaced by A.
Protein change: p.Arg116His; replaces arginine 116 with histidine.
Molecular consequence: missense variant.
Genome position (GRCh38, 1-based): chr15:48,208,066, G>A. VCF-style: chr15-48208066-G-A. GRCh37 (hg19) VCF-style: chr15-48500263-G-A.
Other names: p.Arg116His; c.347G>A, p.Arg116His (NM_001184832.2); short protein forms R116H.
Identifiers: ClinVar variation 445491 (VCV000445491.25), dbSNP rs34819316, ClinGen allele CA7546726.